The following is an entry in ClinVar:

ClinVar aggregate classification (germline): Uncertain significance. Review status: criteria provided, multiple submitters, no conflicts (2 of 4 stars). 2 submissions from 2 submitters: Uncertain significance (2). Last evaluated 2025-03-04.

Allele frequency attached by ClinVar (database versions not stated): gnomAD exomes 0.00003; TOPMed 0.00004; gnomAD 0.00005; ESP Exome Variant Server 0.00008; ExAC 0.00014.
gnomAD v4.1: 57 of 1,614,008 alleles (0.0035%); highest among the groups gnomAD compares: African/African-American, 0.015%; no homozygotes.

Submissions (2):

Center for Genomic Medicine, Rigshospitalet, Copenhagen University Hospital
Classification: Uncertain significance. Last evaluated: 2025-03-04. Review status: criteria provided, single submitter. Criteria: ACMG Guidelines, 2015. Collection method: clinical testing. Allele origin: germline.

Labcorp Genetics (formerly Invitae), Labcorp
Classification: Uncertain significance. Last evaluated: 2024-05-26. Review status: criteria provided, single submitter. Criteria: Invitae Variant Classification Sherloc (09022015). Collection method: clinical testing. Allele origin: germline.
Comment: This sequence change replaces isoleucine, which is neutral and non-polar, with valine, which is neutral and non-polar, at codon 137 of the CDC42 protein (p.Ile137Val). This variant is present in population databases (rs142108830, gnomAD 0.02%). This variant has not been reported in the literature in individuals affected with CDC42-related conditions. ClinVar contains an entry for this variant (Variation ID: 1983812). An algorithm developed to predict the effect of missense changes on protein structure and function (PolyPhen-2) suggests that this variant is likely to be tolerated. In summary, the available evidence is currently insufficient to determine the role of this variant in disease. Therefore, it has been classified as a Variant of Uncertain Significance.

NM_001791.4(CDC42):c.409A>G (p.Ile137Val)

Gene: CDC42 (cell division cycle 42; plus strand). Cytogenetic location: 1p36.12.
Variant type: single nucleotide variant.
Coding change: c.409A>G on transcript NM_001791.4 (MANE Select); coding-DNA position 409, A replaced by G.
Protein change: p.Ile137Val; replaces isoleucine 137 with valine.
Molecular consequence: missense variant.
Genome position (GRCh38, 1-based): chr1:22,086,789, A>G. VCF-style: chr1-22086789-A-G. GRCh37 (hg19) VCF-style: chr1-22413282-A-G.
Other names: c.409A>G, p.Ile137Val (NM_001039802.2, NM_044472.3); short protein forms I137V.
Identifiers: ClinVar variation 1983812 (VCV001983812.5), dbSNP rs142108830, ClinGen allele CA675129.